The following is an entry in ClinVar:

ClinVar aggregate classification (germline): Uncertain significance. Review status: criteria provided, multiple submitters, no conflicts (2 of 4 stars). 3 submissions from 3 submitters: Uncertain significance (3). Last evaluated 2026-08-04.

Conditions:
COL9A3-related disorder. Also called: COL9A3-related condition.
Inborn genetic diseases. Identifiers: MedGen C0950123, MeSH D030342.

Allele frequency attached by ClinVar (database versions not stated): gnomAD exomes below 0.00001; gnomAD 0.00007; TOPMed 0.00008.
gnomAD v4.1: 14 of 1,393,940 alleles (0.001%); highest among the groups gnomAD compares: African/African-American, 0.021%; no homozygotes.

Submissions (3):

PreventionGenetics, part of Exact Sciences
Classification: Uncertain significance for COL9A3-related condition. Last evaluated: 2026-08-04. Review status: criteria provided, single submitter. Criteria: ACMG Guidelines, 2015. Collection method: clinical testing. Allele origin: germline.
Comment: The COL9A3 c.77A>C variant is predicted to result in the amino acid substitution p.Gln26Pro. To our knowledge, this variant has not been reported in the literature. This variant is reported in 0.011% of alleles in individuals of African descent in gnomAD. At this time, the clinical significance of this variant is uncertain due to the absence of conclusive functional and genetic evidence.

Ambry Genetics
Classification: Uncertain significance for Inborn genetic diseases. Last evaluated: 2026-03-26. Review status: criteria provided, single submitter. Criteria: Ambry Variant Classification Scheme 2023. Collection method: clinical testing. Allele origin: germline.

Labcorp Genetics (formerly Invitae), Labcorp
Classification: Uncertain significance. Last evaluated: 2025-11-15. Review status: criteria provided, single submitter. Criteria: Invitae Variant Classification Sherloc (09022015). Collection method: clinical testing. Allele origin: germline.
Comment: This sequence change replaces glutamine, which is neutral and polar, with proline, which is neutral and non-polar, at codon 26 of the COL9A3 protein (p.Gln26Pro). This variant is present in population databases (no rsID available, gnomAD 0.01%). This variant has not been reported in the literature in individuals affected with COL9A3-related conditions. ClinVar contains an entry for this variant (Variation ID: 3020927). Experimental studies and prediction algorithms are not available or were not evaluated, and the functional significance of this variant is currently unknown. Algorithms developed to predict the effect of sequence changes on RNA splicing suggest that this variant may disrupt the consensus splice site. In summary, the available evidence is currently insufficient to determine the role of this variant in disease. Therefore, it has been classified as a Variant of Uncertain Significance.

NM_001853.4(COL9A3):c.77A>C (p.Gln26Pro)

Gene: COL9A3 (collagen type IX alpha 3 chain; plus strand). Cytogenetic location: 20q13.33.
Variant type: single nucleotide variant.
Coding change: c.77A>C on transcript NM_001853.4 (MANE Select); coding-DNA position 77, A replaced by C.
Protein change: p.Gln26Pro; replaces glutamine 26 with proline.
Molecular consequence: missense variant.
Genome position (GRCh38, 1-based): chr20:62,817,141, A>C. VCF-style: chr20-62817141-A-C. GRCh37 (hg19) VCF-style: chr20-61448493-A-C.
Other names: c.77A>C (NM_001853.3); short protein forms Q26P.
Identifiers: ClinVar variation 3020927 (VCV003020927.5), dbSNP rs1035932317, ClinGen allele CA317319070.